The following is an entry in ClinVar:

NM_006767.4(LZTR1):c.1561_1563del (p.Phe521del)

Gene: LZTR1 (leucine zipper like post translational regulator 1; plus strand). Cytogenetic location: 22q11.21.
Variant type: Deletion.
Coding change: c.1561_1563del on transcript NM_006767.4 (MANE Select); coding-DNA positions 1561 to 1563, 3 bases deleted (TTC; older notation c.1561_1563delTTC).
Protein change: p.Phe521del; deletes phenylalanine 521.
Molecular consequence: inframe deletion.
Genome position (GRCh38, 1-based): chr22:20,994,215-20,994,217, TTC deleted; deleting any 3 consecutive bases within chr22:20,994,214-20,994,217 gives the same sequence; the c. name uses the placement nearest the transcript's 3' end. VCF-style (leftmost placement, unchanged base first): chr22-20994213-CCTT-C. GRCh37 (hg19) VCF-style: chr22-21348502-CCTT-C.
Other names: short protein forms F521del.
Identifiers: ClinVar variation 3621126 (VCV003621126.2).

ClinVar aggregate classification (germline): Uncertain significance (1 of 4 stars; one submission).

Submission:

Labcorp Genetics (formerly Invitae), Labcorp
Classification: Uncertain significance. Last evaluated: 2024-05-23. Review status: criteria provided, single submitter. Criteria: Invitae Variant Classification Sherloc (09022015). Collection method: clinical testing. Allele origin: germline.
Comment: This variant, c.1561_1563del, results in the deletion of 1 amino acid(s) of the LZTR1 protein (p.Phe521del), but otherwise preserves the integrity of the reading frame. This variant is present in population databases (no rsID available, gnomAD 0.007%). This variant has not been reported in the literature in individuals affected with LZTR1-related conditions. Experimental studies and prediction algorithms are not available or were not evaluated, and the functional significance of this variant is currently unknown. In summary, the available evidence is currently insufficient to determine the role of this variant in disease. Therefore, it has been classified as a Variant of Uncertain Significance.